The following is an entry in ClinVar:

ClinVar aggregate classification (germline): Benign (1 of 4 stars; one submission).

Conditions:
Hyperlipoproteinemia, type I. Also called: Lipoprotein Lipase Deficiency; Lipase D deficiency; Familial hyperlipo-proteinemia type 1; Hyperlipemia essential familial; Familial Lipoprotein Lipase Deficiency; Hyperlipoproteinemia type 1. Identifiers: Orphanet 309015, Orphanet 444490, MedGen C0023817, MONDO:0009387, OMIM 238600. Disease mechanism: loss of function.

Allele frequency attached by ClinVar (database versions not stated): gnomAD 0.00498 and 0.00549; 1000 Genomes Project 30x 0.00390; 1000 Genomes Project 0.00439; TOPMed 0.00550.

Submission:

Illumina Laboratory Services, Illumina
Classification: Benign for Hyperlipoproteinemia, type I. Last evaluated: 2018-01-13. Review status: criteria provided, single submitter. Criteria: ICSL Variant Classification Criteria 13 December 2019. Collection method: clinical testing. Allele origin: germline.
Comment: This variant was observed in the ICSL laboratory as part of a predisposition screen in an ostensibly healthy population. It had not been previously curated by ICSL or reported in the Human Gene Mutation Database (HGMD: prior to June 1st, 2018), and was therefore a candidate for classification through an automated scoring system. Utilizing variant allele frequency, disease prevalence and penetrance estimates, and inheritance mode, an automated score was calculated to assess if this variant is too frequent to cause the disease. Based on the score and internal cut-off values, a variant classified as benign is not then subjected to further curation. The score for this variant resulted in a classification of benign for this disease.

NM_000237.3(LPL):c.*1291G>A

Gene: LPL (lipoprotein lipase; plus strand). Cytogenetic location: 8p21.3.
Variant type: single nucleotide variant.
Coding change: c.*1291G>A on transcript NM_000237.3 (MANE Select); 1291 bases downstream of the stop codon, G replaced by A.
Molecular consequence: 3 prime UTR variant.
Genome position (GRCh38, 1-based): chr8:19,966,601, G>A. VCF-style: chr8-19966601-G-A. GRCh37 (hg19) VCF-style: chr8-19824112-G-A.
Identifiers: ClinVar variation 362443 (VCV000362443.5), dbSNP rs139240067, ClinGen allele CA10627410.
Genomic context (GRCh38, chr8:19,966,601, plus strand): 5'-TAAATATGAAATGATAAAGATGTCAAATATCTCAGAGGCTATAGCTGGGAACCCGACTGT[G>A]AAAGTATGTGATATCTGAACACATACTAGAAAGCTCTGCATGTGTGTTGTCCTTCAGCAT-3'